The following is an entry in ClinVar:

NM_012431.3(SEMA3E):c.1371T>C (p.Asn457=)

Gene: SEMA3E (semaphorin 3E; minus strand). Cytogenetic location: 7q21.11.
Variant type: single nucleotide variant.
Coding change: c.1371T>C on transcript NM_012431.3 (MANE Select); coding-DNA position 1371, T replaced by C.
Protein change: p.Asn457=; no amino-acid change (asparagine 457 retained).
Molecular consequence: synonymous variant.
Genome position (GRCh38, 1-based): chr7:83,396,725, A>G on the plus strand (T>C on the coding strand, the complement: SEMA3E is on the minus strand). VCF-style: chr7-83396725-A-G. GRCh37 (hg19) VCF-style: chr7-83026041-A-G.
Other names: c.1191T>C, p.Asn397= (NM_001178129.2).
Identifiers: ClinVar variation 4982025 (VCV004982025.1).
Genomic context (GRCh38, chr7:83,396,725, plus strand): 5'-TACTTCTTCCATTGATTCCATTTCTTGGTTGTAAATTGTGATTACTTTCAGCACAATTCC[A>G]TTATCTGTAAGAAAACAAAACAAGAAATAAACTAGAATCTATGTCACAGTACGGTTTTCA-3'
Protein context (NP_036563.1, residues 447-467): QYDVLFIGTD[Asn457=]GIVLKVITIY

ClinVar aggregate classification (germline): Likely benign (1 of 4 stars; one submission).

Conditions:
SEMA3E-related disorder. Also called: SEMA3E-related condition.

gnomAD v4.1: 1 of 1,588,604 alleles (0.000063%); highest among the groups gnomAD compares: African/African-American, 0.0013%; no homozygotes.

Submission:

PreventionGenetics, part of Exact Sciences
Classification: Likely benign for SEMA3E-related condition. Last evaluated: 2025-08-18. Review status: criteria provided, single submitter. Criteria: ACMG Guidelines, 2015. Collection method: clinical testing. Allele origin: germline.
Comment: This variant is classified as likely benign based on ACMG/AMP sequence variant interpretation guidelines (Richards et al. 2015 PMID: 25741868, with internal and published modifications).